The following is an entry in ClinVar:

ClinVar aggregate classification (germline): Uncertain significance (1 of 4 stars; one submission).

Submission:

GeneDx
Classification: Uncertain significance. Last evaluated: 2023-11-18. Review status: criteria provided, single submitter. Criteria: GeneDx Variant Classification Process June 2021. Collection method: clinical testing. Allele origin: germline. Affected: yes.
Comment: Not observed at significant frequency in large population cohorts (gnomAD); In silico analysis supports that this missense variant does not alter protein structure/function; Has not been previously published as pathogenic or benign to our knowledge

NM_001256012.3(MYH10):c.574A>G (p.Ile192Val)

Gene: MYH10 (myosin heavy chain 10; minus strand). Cytogenetic location: 17p13.1.
Variant type: single nucleotide variant.
Coding change: c.574A>G on transcript NM_001256012.3 (MANE Select); coding-DNA position 574, A replaced by G.
Protein change: p.Ile192Val; replaces isoleucine 192 with valine.
Molecular consequence: missense variant.
Genome position (GRCh38, 1-based): chr17:8,577,295, T>C on the plus strand (A>G on the coding strand, the complement: MYH10 is on the minus strand). VCF-style: chr17-8577295-T-C. GRCh37 (hg19) VCF-style: chr17-8480613-T-C.
Other names: c.574A>G, p.Ile192Val (NM_001256095.2, NM_001375266.1, NM_005964.5); short protein forms I192V.
Identifiers: ClinVar variation 3364448 (VCV003364448.1).